The following is an entry in ClinVar:

ClinVar aggregate classification (germline): Conflicting classifications of pathogenicity. Review status: criteria provided, conflicting classifications (1 of 4 stars). 5 submissions from 5 submitters: Uncertain significance (3); Likely benign (1). 1 of the submissions does not count toward it. Last evaluated 2026-10-24.

Conditions:
Succinate-semialdehyde dehydrogenase deficiency (SSADHD). Also called: 4-HYDROXYBUTYRIC ACIDURIA; GABA METABOLIC DEFECT; SSADH DEFICIENCY; Succinic Semialdehyde Dehydrogenase Deficiency. Identifiers: Orphanet 22, MedGen C0268631, MONDO:0010083, OMIM 271980.
EEG abnormality. Also called: EEG abnormalities; Electroencephalogram (EEG) abnormalities. Identifiers: MedGen C0151611, HP:0002353.

Allele frequency attached by ClinVar (database versions not stated): gnomAD exomes 0.00015 and 0.00004; ExAC 0.00021; 1000 Genomes Project 30x 0.00047; gnomAD 0.00055 and 0.00060; ESP Exome Variant Server 0.00077; TOPMed 0.00059; 1000 Genomes Project 0.00040.
gnomAD v4.1: 148 of 1,614,040 alleles (0.0092%); highest among the groups gnomAD compares: African/African-American, 0.18%; no homozygotes.

Submissions (5):

GeneDx
Classification: Uncertain significance. Last evaluated: 2026-10-24. Review status: criteria provided, single submitter. Criteria: GeneDx Variant Classification Process June 2021. Collection method: clinical testing. Allele origin: germline.
Comment: In silico analysis supports that this missense variant has a deleterious effect on protein structure/function; Has not been previously published as pathogenic or benign to our knowledge; This variant is associated with the following publications: (PMID: 25553455, 25617482)

Labcorp Genetics (formerly Invitae), Labcorp
Classification: Likely benign for Succinate-semialdehyde dehydrogenase deficiency. Last evaluated: 2026-01-19. Review status: criteria provided, single submitter. Criteria: Invitae Variant Classification Sherloc (09022015). Collection method: clinical testing. Allele origin: germline.

Blueprint Genetics
Classification: Uncertain significance. Last evaluated: 2024-06-05. Review status: criteria provided, single submitter. Criteria: ACMG Guidelines, 2015. Collection method: clinical testing. Allele origin: germline.

Center for Pediatric Genomic Medicine, Children's Mercy Hospital and Clinics
Classification: Uncertain significance. Last evaluated: 2016-05-19. Review status: criteria provided, single submitter. Criteria: ACMG Guidelines, 2015. Collection method: clinical testing. Allele origin: germline.
ClinVar note: Converted during submission from Uncertain Significance to Uncertain significance.

Clinical Molecular Genetics Laboratory, Johns Hopkins All Children's Hospital
Classification: Uncertain significance for Electroencephalogram (EEG) abnormalities. Last evaluated: 2016-09-02. Review status: no assertion criteria provided. Collection method: clinical testing. Allele origin: germline. Affected: yes. Not counted in ClinVar's aggregate classification.

NM_001080.3(ALDH5A1):c.1421A>C (p.Asp474Ala)

Gene: ALDH5A1 (aldehyde dehydrogenase 5 family member A1; plus strand). Cytogenetic location: 6p22.3.
Variant type: single nucleotide variant.
Coding change: c.1421A>C on transcript NM_001080.3 (MANE Select); coding-DNA position 1421, A replaced by C.
Protein change: p.Asp474Ala; replaces aspartic acid 474 with alanine.
Molecular consequence: missense variant.
Genome position (GRCh38, 1-based): chr6:24,533,525, A>C. VCF-style: chr6-24533525-A-C. GRCh37 (hg19) VCF-style: chr6-24533753-A-C.
Other names: c.1277A>C, p.Asp426Ala (NM_001368954.1); c.1460A>C, p.Asp487Ala (NM_170740.1); short protein forms D487A, D474A, D426A.
Identifiers: ClinVar variation 235565 (VCV000235565.22), dbSNP rs142482046, ClinGen allele CA3656951.